The following is an entry in ClinVar:

NM_178171.5(GSDMA):c.558+12AC[11]

Gene: GSDMA (gasdermin A; plus strand). Cytogenetic location: 17q21.1.
Variant type: Microsatellite.
Coding change: c.558+12AC[11] on transcript NM_178171.5 (MANE Select); 11 copies in a row of the 2-base unit AC starting at c.558+12; the reference has 13 copies in a row; two copies, 4 bases deleted.
Molecular consequence: intron variant.
Genome position (GRCh38, 1-based): chr17:39,970,681-39,970,684, ACAC deleted; deleting any 4 consecutive bases within chr17:39,970,659-39,970,684 gives the same sequence; the position shown is the placement nearest the transcript's 3' end. VCF-style (leftmost placement, unchanged base first): chr17-39970658-AACAC-A. GRCh37 (hg19) VCF-style: chr17-38126911-AACAC-A.
Identifiers: ClinVar variation 402913 (VCV000402913.4), dbSNP rs58338887, ClinGen allele CA8536905.
Genomic context (GRCh38, chr17:39,970,658, plus strand): 5'-AGGCAGAGGCCTGCTTCTCCCTCCCCTTCTTCGCCCCATTGGGGCTACAGGTTTGATTCA[AACAC>A]ACACACACACACACACACACACTCTCACACTCACACTCACACATACACATTTACATTCAG-3'

ClinVar aggregate classification (germline): Benign (1 of 4 stars; one submission).

Submission:

Laboratory for Molecular Medicine, Mass General Brigham Personalized Medicine
Classification: Benign. Last evaluated: 2016-03-29. Review status: criteria provided, single submitter. Criteria: LMM Criteria. Collection method: clinical testing. Allele origin: germline.
Comment: Variant identified in a genome or exome case(s) and assessed due to predicted null impact of the variant or pathogenic assertions in the literature or databases. Disclaimer: This variant has not undergone full assessment. The following are preliminary notes: Frequency